The following is an entry in ClinVar:

ClinVar aggregate classification (germline): Uncertain significance. Review status: criteria provided, multiple submitters, no conflicts (2 of 4 stars). 2 submissions from 2 submitters: Uncertain significance (2). Last evaluated 2026-08-06.

Conditions:
Developmental and epileptic encephalopathy, 5 (DEE5). Identifiers: Orphanet 3451, MedGen C3150731, MONDO:0013277, OMIM 613477.

Submissions (2):

OLLIN Analises Genomicas, OLLIN
Classification: Uncertain significance for Developmental and epileptic encephalopathy, 5. Last evaluated: 2026-08-06. Review status: criteria provided, single submitter. Criteria: ACMG Guidelines 2015 PMID 25741868. Collection method: clinical testing. Allele origin: germline. Inheritance: Autosomal dominant inheritance.
Comment: This missense variant, located in exon 12 (of 57), is absent from gnomAD and has not been identified in the literature. However, it has been reported in ClinVar (accession VCV000941762.10). In silico analysis is inconclusive regarding the impact of this variant. This gene is constrained for missense variation. According to the currently available evidence, this variant has been classified as uncertain significance (PM2_P, PP2).

Dasa
Classification: Uncertain significance. Last evaluated: 2025-10-13. Review status: criteria provided, single submitter. Criteria: DASA Assertion Criteria. Collection method: clinical testing. Allele origin: germline.
Comment: NM_001130438.3(SPTAN1):c.1487G>A (p.Gly496Glu) is a missense variant that results in the substitution of glycine with glutamic acid. This variant is absent from population databases. The currently available literature and clinical evidence are not sufficient to establish a definitive association between this variant and the reported condition. Therefore, this variant is classified as a variant of uncertain significance.

NM_001130438.3(SPTAN1):c.1487G>A (p.Gly496Glu)

Gene: SPTAN1 (spectrin alpha, non-erythrocytic 1; plus strand). Cytogenetic location: 9q34.11.
Variant type: single nucleotide variant.
Coding change: c.1487G>A on transcript NM_001130438.3 (MANE Select); coding-DNA position 1487, G replaced by A.
Protein change: p.Gly496Glu; replaces glycine 496 with glutamic acid.
Molecular consequence: missense variant.
Genome position (GRCh38, 1-based): chr9:128,581,807, G>A. VCF-style: chr9-128581807-G-A. GRCh37 (hg19) VCF-style: chr9-131344086-G-A.
Other names: c.1487G>A, p.Gly496Glu (NM_001195532.2, NM_001363759.2, NM_001363765.2 and 10 more transcripts); c.1523G>A, p.Gly508Glu (NM_001375312.2, NM_001375318.1, NM_001438440.1); short protein forms G496E, G508E.
Identifiers: ClinVar variation 4885105 (VCV004885105.3).